The following is an entry in ClinVar:

ClinVar aggregate classification (germline): Uncertain significance. Review status: criteria provided, multiple submitters, no conflicts (2 of 4 stars). 2 submissions from 2 submitters: Uncertain significance (2). Last evaluated 2024-09-10.

gnomAD v4.1: 2 of 1,611,692 alleles (0.00012%); highest among the groups gnomAD compares: Non-Finnish European, 0.00017%; no homozygotes.

Submissions (2):

GeneDx
Classification: Uncertain significance. Last evaluated: 2024-09-10. Review status: criteria provided, single submitter. Criteria: GeneDx Variant Classification Process June 2021. Collection method: clinical testing. Allele origin: germline. Affected: yes.
Comment: Not observed at significant frequency in large population cohorts (gnomAD); In silico analysis indicates that this missense variant does not alter protein structure/function; Variants in candidate genes are classified as variants of uncertain significance in accordance with ACMG guidelines (PMID: 25741868); This variant is associated with the following publications: (PMID: 35982159, 33057194)

Blueprint Genetics
Classification: Uncertain significance. Last evaluated: 2023-07-17. Review status: criteria provided, single submitter. Criteria: ACMG Guidelines, 2015. Collection method: clinical testing. Allele origin: germline.

NM_018071.5(ARHGEF40):c.674G>A (p.Arg225Gln)

Gene: ARHGEF40 (Rho guanine nucleotide exchange factor 40; plus strand). Cytogenetic location: 14q11.2.
Variant type: single nucleotide variant.
Coding change: c.674G>A on transcript NM_018071.5 (MANE Select); coding-DNA position 674, G replaced by A.
Protein change: p.Arg225Gln; replaces arginine 225 with glutamine.
Molecular consequence: missense variant. On other transcripts: 5 prime UTR variant (2).
Genome position (GRCh38, 1-based): chr14:21,074,404, G>A. VCF-style: chr14-21074404-G-A. GRCh37 (hg19) VCF-style: chr14-21542563-G-A.
Other names: c.-1496G>A (NM_001278529.2); c.-1302G>A (NM_001278530.2); short protein forms R225Q.
Identifiers: ClinVar variation 3340525 (VCV003340525.2).